The following is an entry in ClinVar:

NM_006035.4(CDC42BPB):c.750G>A (p.Ala250=)

Gene: CDC42BPB (CDC42 binding protein kinase beta; minus strand). Cytogenetic location: 14q32.32.
Variant type: single nucleotide variant.
Coding change: c.750G>A on transcript NM_006035.4 (MANE Select); coding-DNA position 750, G replaced by A.
Protein change: p.Ala250=; no amino-acid change (alanine 250 retained).
Molecular consequence: synonymous variant.
Genome position (GRCh38, 1-based): chr14:102,983,697, C>T on the plus strand (G>A on the coding strand, the complement: CDC42BPB is on the minus strand). VCF-style: chr14-102983697-C-T. GRCh37 (hg19) VCF-style: chr14-103450034-C-T.
Other names: c.750G>A, p.Ala250= (NM_001411054.1).
Identifiers: ClinVar variation 3034114 (VCV003034114.2), dbSNP rs569839623, ClinGen allele CA7361579.

ClinVar aggregate classification (germline): Likely benign (0 of 4 stars; one submission).

Conditions:
CDC42BPB-related disorder.

Allele frequency attached by ClinVar (database versions not stated): gnomAD 0.00001; ExAC 0.00004; gnomAD exomes 0.00004; TOPMed 0.00004.
gnomAD v4.1: 54 of 1,613,888 alleles (0.0033%); highest among the groups gnomAD compares: Non-Finnish European, 0.0043%; no homozygotes.

Submission:

PreventionGenetics, part of Exact Sciences
Classification: Likely benign for CDC42BPB-related condition. Last evaluated: 2019-06-07. Review status: no assertion criteria provided. Collection method: clinical testing. Allele origin: germline.
Comment: This variant is classified as likely benign based on ACMG/AMP sequence variant interpretation guidelines (Richards et al. 2015 PMID: 25741868, with internal and published modifications).